The following is an entry in ClinVar:

ClinVar aggregate classification (germline): Pathogenic (1 of 4 stars; one submission).

Submission:

Quest Diagnostics Nichols Institute San Juan Capistrano
Classification: Pathogenic. Last evaluated: 2024-06-23. Review status: criteria provided, single submitter. Criteria: ACMG/ClinGen CNV Guidelines, 2019. Collection method: clinical testing. Allele origin: unknown.
Comment: This copy number loss involves multiple protein-coding genes, including haploinsufficient gene ELN (OMIM 130160; CCID:007066), and is consistent with the 7q11.23 recurrent region (ISCA-37392) associated with Williams-Beuren syndrome (OMIM 194050; Morris et al., GeneReviews [2023 Apr 13]. PMID: 20301427). Thus, this CNV is classified as pathogenic.

GRCh37/hg19 7q11.23(chr7:72643632-74143060)x1

Genes: ABHD11 (abhydrolase domain containing 11; minus strand), ABHD11-AS1 (ABHD11 antisense RNA 1 (tail to tail); plus strand), BAZ1B (bromodomain adjacent to zinc finger domain 1B; minus strand), BCL7B (BAF chromatin remodeling complex subunit BCL7B; minus strand), BUD23 (BUD23 rRNA methyltransferase and ribosome maturation factor; plus strand) and 22 more. Cytogenetic location: 7q11.23.
Variant type: copy number loss.
Change: copy number 1 (one copy instead of two) of chr7:72,643,632-74,143,060 (1.50 Mb, GRCh37 coordinates, 1-based), cytogenetic band 7q11.23.
Identifiers: ClinVar variation 1807812 (VCV001807812.1).